The following is an entry in ClinVar:

ClinVar aggregate classification (germline): Uncertain significance. Review status: reviewed by expert panel (3 of 4 stars). 2 submissions from 2 submitters: Uncertain significance (1). 1 of the submissions does not count toward it. Last evaluated 2025-05-19.

Conditions:
Juvenile retinoschisis (RS1). Also called: X-linked retinoschisis; X-Linked Juvenile Retinoschisis. Identifiers: Orphanet 792, MedGen C3714753, MONDO:0010725, OMIM 312700.

Submissions (2):

ClinGen X-linked Inherited Retinal Disease Variant Curation Expert Panel, ClinGen
Classification: Uncertain significance for Juvenile retinoschisis. Last evaluated: 2025-05-19. Review status: reviewed by expert panel. Criteria: ClinGen X LinkedIRD ACMG Specifications RS1 V1.0.0. Collection method: curation. Allele origin: germline. Inheritance: X-linked inheritance.
Comment: The NM_000330.4(RS1):c.170T>C variant is a missense variant encoding the substitution of Leucine with Serine at amino acid 57. This variant is absent from hemizygous individuals in gnomAD v4.1.0 (PM2_Supporting). The computational predictor REVEL gives a score of 0.653, which is within the ClinGen X-linked IRD VCEP range between 0.772 to 0.644 and predicts a damaging effect on RS1 function (PP3). The computational splicing predictor SpliceAI gives a delta score of 0.01 for donor gain, which is below the ClinGen X-linked IRD VCEP threshold of >0.2 and does not predict that the variant disrupts RS1 splicing. This variant has been reported in at least 1 individual (PMID: 30464253), however, the publication did not include any retinal test or diagnosis of retinoschisis. In summary, this variant is classified as a variant of uncertain significance for X-linked retinoschisis based on the ClinGen X-linked Inherited Retinal Disease Expert Panel Specifications to the ACMG/AMP Variant Interpretation Guidelines for RS1 Version 1.0.0: PM2_supporting and PP3 (date of approval 01/24/2025).

GeneDx
Classification: Uncertain significance. Last evaluated: 2017-02-14. Review status: criteria provided, single submitter. Criteria: GeneDx Variant Classification (06012015). Collection method: clinical testing. Allele origin: germline. Affected: yes. Not counted in ClinVar's aggregate classification.
Comment: The L57S variant in the RS1 gene has not been reported previously as a pathogenic variant, nor as a benign variant, to our knowledge. The L57S variant is not observed in large population cohorts (Lek et al., 2016; 1000 Genomes Consortium et al., 2015; Exome Variant Server). The L57S variant is a non-conservative amino acid substitution, which is likely to impact secondary protein structure as these residues differ in polarity, charge, size and/or other properties. This substitution occurs at a position that is conserved across species, but in silico analysis is inconsistent in its predictions as to whether or not the variant is damaging to the protein structure/function. We interpret L57S as a variant of uncertain significance.

NM_000330.4(RS1):c.170T>C (p.Leu57Ser)

Gene: RS1 (retinoschisin 1; minus strand). Cytogenetic location: Xp22.13.
Variant type: single nucleotide variant.
Coding change: c.170T>C on transcript NM_000330.4 (MANE Select); coding-DNA position 170, T replaced by C.
Protein change: p.Leu57Ser; replaces leucine 57 with serine.
Molecular consequence: missense variant.
Genome position (GRCh38, 1-based): chrX:18,656,667, A>G on the plus strand (T>C on the coding strand, the complement: RS1 is on the minus strand). VCF-style: chrX-18656667-A-G. GRCh37 (hg19) VCF-style: chrX-18674787-A-G.
Other names: NM_000330.4(RS1):c.170T>C; p.Leu57Ser; short protein forms L57S.
Identifiers: ClinVar variation 423184 (VCV000423184.3), dbSNP rs1064796282, ClinGen allele CA16621289.